The following is an entry in ClinVar:

ClinVar aggregate classification (germline): Uncertain significance (1 of 4 stars; one submission).

Conditions:
Wilson disease (WND). Also called: Wilson's disease. Identifiers: Orphanet 905, MedGen C0019202, MONDO:0010200, OMIM 277900. Disease mechanism: loss of function.

Allele frequency attached by ClinVar (database versions not stated): gnomAD exomes below 0.00001.
gnomAD v4.1: 2 of 1,613,026 alleles (0.00012%); highest among the groups gnomAD compares: South Asian, 0.0011%; no homozygotes.

Submission:

Labcorp Genetics (formerly Invitae), Labcorp
Classification: Uncertain significance for Wilson disease. Last evaluated: 2023-03-27. Review status: criteria provided, single submitter. Criteria: Invitae Variant Classification Sherloc (09022015). Collection method: clinical testing. Allele origin: germline.
Comment: In summary, the available evidence is currently insufficient to determine the role of this variant in disease. Therefore, it has been classified as a Variant of Uncertain Significance. Variants that disrupt the consensus splice site are a relatively common cause of aberrant splicing (PMID: 17576681, 9536098). Algorithms developed to predict the effect of sequence changes on RNA splicing suggest that this variant may disrupt the consensus splice site. ClinVar contains an entry for this variant (Variation ID: 1503588). This variant has been observed in individual(s) with clinical features of Wilson disease (PMID: 27022412; Invitae). This variant is not present in population databases (gnomAD no frequency). This sequence change falls in intron 6 of the ATP7B gene. It does not directly change the encoded amino acid sequence of the ATP7B protein. It affects a nucleotide within the consensus splice site.

Literature cited by the submitters: PubMed 17576681; PubMed 9536098; PubMed 27022412.

NM_000053.4(ATP7B):c.1946+5G>A

Gene: ATP7B (ATPase copper transporting beta; minus strand). Cytogenetic location: 13q14.3.
Variant type: single nucleotide variant.
Coding change: c.1946+5G>A on transcript NM_000053.4 (MANE Select); 5 bases into the intron after coding-DNA position 1946, G replaced by A.
Molecular consequence: intron variant.
Genome position (GRCh38, 1-based): chr13:51,961,832, C>T on the plus strand (G>A on the coding strand, the complement: ATP7B is on the minus strand). VCF-style: chr13-51961832-C-T. GRCh37 (hg19) VCF-style: chr13-52535968-C-T.
Other names: c.1613+5G>A (NM_001243182.2); c.1869+3040G>A (NM_001005918.3, NM_001330579.2); c.1946+5G>A (NM_001330578.2).
Identifiers: ClinVar variation 1503588 (VCV001503588.7), dbSNP rs2139666211, ClinGen allele CA2573149655.